The following is an entry in ClinVar:

ClinVar aggregate classification (germline): Uncertain significance. Review status: criteria provided, multiple submitters, no conflicts (2 of 4 stars). 3 submissions from 3 submitters: Uncertain significance (3). Last evaluated 2025-04-23.

Conditions:
Hereditary cancer-predisposing syndrome. Also called: Tumor predisposition; Neoplastic Syndromes, Hereditary; Hereditary Cancer Syndrome; Hereditary neoplastic syndrome. Identifiers: Orphanet 140162, MedGen C0027672, MeSH D009386, MONDO:0015356.
Ataxia-telangiectasia syndrome (AT). Also called: Ataxia-telangiectasia; Cerebello-oculocutaneous telangiectasia; Immunodeficiency with ataxia telangiectasia; ATAXIA-TELANGIECTASIA, COMPLEMENTATION GROUP A; ATAXIA-TELANGIECTASIA, FRESNO VARIANT; Ataxia-telangiectasia, complementation group D. Identifiers: Orphanet 100, MedGen C0004135, MONDO:0008840, OMIM 208900.

Allele frequency attached by ClinVar (database versions not stated): ExAC 0.00002; gnomAD exomes below 0.00001.
gnomAD v4.1: 2 of 1,613,684 alleles (0.00012%); highest among the groups gnomAD compares: Admixed American, 0.0017%; no homozygotes.

Submissions (3):

Labcorp Genetics (formerly Invitae), Labcorp
Classification: Uncertain significance for Ataxia-telangiectasia syndrome. Last evaluated: 2025-04-23. Review status: criteria provided, single submitter. Criteria: Invitae Variant Classification Sherloc (09022015). Collection method: clinical testing. Allele origin: germline.
Comment: This sequence change replaces threonine, which is neutral and polar, with isoleucine, which is neutral and non-polar, at codon 86 of the ATM protein (p.Thr86Ile). The frequency data for this variant in the population databases is considered unreliable, as metrics indicate poor data quality at this position in the gnomAD database. This variant has not been reported in the literature in individuals affected with ATM-related conditions. ClinVar contains an entry for this variant (Variation ID: 418023). Invitae Evidence Modeling of protein sequence and biophysical properties (such as structural, functional, and spatial information, amino acid conservation, physicochemical variation, residue mobility, and thermodynamic stability) indicates that this missense variant is not expected to disrupt ATM protein function with a negative predictive value of 95%. In summary, the available evidence is currently insufficient to determine the role of this variant in disease. Therefore, it has been classified as a Variant of Uncertain Significance.

Ambry Genetics
Classification: Uncertain significance for Hereditary cancer-predisposing syndrome. Last evaluated: 2025-04-05. Review status: criteria provided, single submitter. Criteria: Ambry Variant Classification Scheme 2023. Collection method: clinical testing. Allele origin: germline.
Comment: The p.T86I variant (also known as c.257C>T), located in coding exon 3 of the ATM gene, results from a C to T substitution at nucleotide position 257. The threonine at codon 86 is replaced by isoleucine, an amino acid with similar properties. This amino acid position is well conserved in available vertebrate species. In addition, this alteration is predicted to be tolerated by in silico analysis. Since supporting evidence is limited at this time, the clinical significance of this alteration remains unclear.

GeneDx
Classification: Uncertain significance. Last evaluated: 2015-02-10. Review status: criteria provided, single submitter. Criteria: GeneDx Variant Classification (06012015). Collection method: clinical testing. Allele origin: germline. Affected: yes.
Comment: This variant is denoted ATM c.257C>T at the cDNA level, p.Thr86Ile (T86I) at the protein level, and results in the change of a Threonine to an Isoleucine (ACA>ATA). This variant has not, to our knowledge, been published in the literature as pathogenic or benign. ATM Thr86Ile was not observed in approximately 6,500 individuals of European and African American ancestry in the NHLBI Exome Sequencing Project, indicating it is not a common benign variant in these populations. Since Threonine and Isoleucine differ in polarity, charge, size or other properties, this is considered a non-conservative amino acid substitution. ATM Thr86Ile occurs at a position that is well conserved across species and is not located in a known functional domain (UniProt, Tavtigian 2009). In silico analyses predict that this variant is probably damaging to protein structure and function. Based on currently available information, it is unclear whether ATM Thr86Ile is pathogenic or benign. We consider it to be a variant of uncertain significance.

NM_000051.4(ATM):c.257C>T (p.Thr86Ile)

Gene: ATM (ATM serine/threonine kinase; plus strand). Cytogenetic location: 11q22.3.
Variant type: single nucleotide variant.
Coding change: c.257C>T on transcript NM_000051.4 (MANE Select); coding-DNA position 257, C replaced by T.
Protein change: p.Thr86Ile; replaces threonine 86 with isoleucine.
Molecular consequence: missense variant.
Genome position (GRCh38, 1-based): chr11:108,229,249, C>T. VCF-style: chr11-108229249-C-T. GRCh37 (hg19) VCF-style: chr11-108099976-C-T.
Other names: c.257C>T, p.Thr86Ile (NM_001351834.2, NM_001351835.2, NM_001351836.2); short protein forms T86I.
Identifiers: ClinVar variation 418023 (VCV000418023.12), dbSNP rs755326770, ClinGen allele CA6264541.
Genomic context (GRCh38, chr11:108,229,249, plus strand): 5'-AATATATTCAGAAAGAAACAGAATGTCTGAGAATAGCAAAACCAAATGTATCAGCCTCAA[C>T]ACAAGCCTCCAGGCAGAAAAAGATGCAGGAAATCAGTAGTTTGGTCAAATACTTCATCAA-3'
Protein context (NP_000042.3, residues 76-96): RIAKPNVSAS[Thr86Ile]QASRQKKMQE